The following is an entry in ClinVar:

ClinVar aggregate classification (germline): Uncertain significance. Review status: criteria provided, multiple submitters, no conflicts (2 of 4 stars). 2 submissions from 2 submitters: Uncertain significance (2). Last evaluated 2023-05-30.

Conditions:
Ehlers-Danlos syndrome, type 4 (EDSVASC). Also called: Ehlers-Danlos Syndrome Type IV; Ehlers-Danlos syndrome vascular type; Ehlers Danlos syndrome, ecchymotic type; Ehlers Danlos syndrome, arterial type; Ehlers Danlos syndrome, Sack-Barabas type. Identifiers: Orphanet 286, MedGen C0268338, MONDO:0017314, OMIM 130050.

Allele frequency attached by ClinVar (database versions not stated): gnomAD exomes below 0.00001.
gnomAD v4.1: 1 of 1,613,058 alleles (0.000062%); highest among the groups gnomAD compares: Middle Eastern, 0.018%; no homozygotes.

Submissions (2):

All of Us Research Program, National Institutes of Health
Classification: Uncertain significance for Ehlers-Danlos syndrome, type 4. Last evaluated: 2023-05-30. Review status: criteria provided, single submitter. Criteria: ACMG Guidelines, 2015. Collection method: clinical testing. Allele origin: germline. Inheritance: Autosomal dominant inheritance. Observed: 1 variant allele, 1 heterozygote.
Comment: This missense variant replaces proline with leucine at codon 904 of the COL3A1 protein. Computational prediction is inconclusive regarding the impact of this variant on protein structure and function (internally defined REVEL score threshold 0.5 < inconclusive < 0.7, PMID: 27666373). To our knowledge, functional studies have not been reported for this variant. This variant has not been reported in individuals affected with COL3A1-related disorders in the literature. This variant has not been identified in the general population by the Genome Aggregation Database (gnomAD). The available evidence is insufficient to determine the role of this variant in disease conclusively. Therefore, this variant is classified as a Variant of Uncertain Significance.

This study involves interpretation of variants in research participants for the purpose of population health screening. Participant phenotype was not available at the time of variant classification. Additional details can be found in publication PMID: 35346344, PMCID: PMC8962531

Labcorp Genetics (formerly Invitae), Labcorp
Classification: Uncertain significance for Ehlers-Danlos syndrome, type 4. Last evaluated: 2023-04-10. Review status: criteria provided, single submitter. Criteria: Invitae Variant Classification Sherloc (09022015). Collection method: clinical testing. Allele origin: germline.
Comment: Advanced modeling of protein sequence and biophysical properties (such as structural, functional, and spatial information, amino acid conservation, physicochemical variation, residue mobility, and thermodynamic stability) performed at Invitae indicates that this missense variant is not expected to disrupt COL3A1 protein function. This variant has not been reported in the literature in individuals affected with COL3A1-related conditions. This variant is not present in population databases (gnomAD no frequency). This sequence change replaces proline, which is neutral and non-polar, with leucine, which is neutral and non-polar, at codon 904 of the COL3A1 protein (p.Pro904Leu). In summary, the available evidence is currently insufficient to determine the role of this variant in disease. Therefore, it has been classified as a Variant of Uncertain Significance.

NM_000090.4(COL3A1):c.2711C>T (p.Pro904Leu)

Gene: COL3A1 (collagen type III alpha 1 chain; plus strand). Cytogenetic location: 2q32.2.
Variant type: single nucleotide variant.
Coding change: c.2711C>T on transcript NM_000090.4 (MANE Select); coding-DNA position 2711, C replaced by T.
Protein change: p.Pro904Leu; replaces proline 904 with leucine.
Molecular consequence: missense variant.
Genome position (GRCh38, 1-based): chr2:189,004,031, C>T. VCF-style: chr2-189004031-C-T. GRCh37 (hg19) VCF-style: chr2-189868757-C-T.
Other names: short protein forms P904L.
Identifiers: ClinVar variation 2794515 (VCV002794515.4), dbSNP rs2469153478, ClinGen allele CA349843881.